The following is an entry in ClinVar:

ClinVar aggregate classification (germline): Uncertain significance (1 of 4 stars; one submission).

Conditions:
Developmental delay, impaired speech, and behavioral abnormalities. Identifiers: MedGen C5561957, MONDO:0859178, OMIM 619475.

Submission:

Victorian Clinical Genetics Services, Murdoch Childrens Research Institute
Classification: Uncertain significance for Developmental delay, impaired speech, and behavioral abnormalities. Last evaluated: 2024-10-09. Review status: criteria provided, single submitter. Criteria: ACMG Guidelines, 2015. Collection method: clinical testing. Allele origin: germline. Inheritance: Autosomal dominant inheritance. Affected: yes.
Comment: Based on the classification scheme VCGS_Germline_v1.3.4, this variant is classified as VUS-3C. Following criteria are met: 0102 - Loss of function is a known mechanism of disease in this gene and is associated with developmental delay, impaired speech, and behavioural abnormalities (MIM#619475). (I) 0107 - This gene is associated with autosomal dominant disease. (I) 0200 - Variant is predicted to result in a missense amino acid change from glycine to arginine. (I) 0251 - This variant is heterozygous. (I) 0302 - An alternative nucleotide change, resulting in the same amino acid change, is present in gnomAD (v2) <0.01 for a dominant condition (2 heterozygotes, 0 homozygotes). (SP) 0501 - Missense variant consistently predicted to be damaging by multiple in silico tools or highly conserved with a major amino acid change. (SP) 0600 - Variant is located in the annotated spectrin repeat domain (DECIPHER). (I) 0705 - No comparable missense variants have previous evidence for pathogenicity. (I) 0807 - This variant has no previous evidence of pathogenicity. (I) 0905 - No published segregation evidence has been identified for this variant. (I) 1007 - No published functional evidence has been identified for this variant. (I) 1208 - Inheritance information for this variant is not currently available in this individual. (I) Legend: (SP) - Supporting pathogenic, (I) - Information, (SB) - Supporting benign

NM_003128.3(SPTBN1):c.5455G>A (p.Gly1819Arg)

Gene: SPTBN1 (spectrin beta, non-erythrocytic 1; plus strand). Cytogenetic location: 2p16.2.
Variant type: single nucleotide variant.
Coding change: c.5455G>A on transcript NM_003128.3 (MANE Select); coding-DNA position 5455, G replaced by A.
Protein change: p.Gly1819Arg; replaces glycine 1819 with arginine.
Molecular consequence: missense variant.
Genome position (GRCh38, 1-based): chr2:54,649,867, G>A. VCF-style: chr2-54649867-G-A. GRCh37 (hg19) VCF-style: chr2-54877004-G-A.
Other names: c.5416G>A, p.Gly1806Arg (NM_178313.3); short protein forms G1806R, G1819R.
Identifiers: ClinVar variation 3377009 (VCV003377009.1).